The following is an entry in ClinVar:

NM_006206.6(PDGFRA):c.874G>C (p.Ala292Pro)

Gene: PDGFRA (platelet derived growth factor receptor alpha; plus strand). Cytogenetic location: 4q12.
Variant type: single nucleotide variant.
Coding change: c.874G>C on transcript NM_006206.6 (MANE Select); coding-DNA position 874, G replaced by C.
Protein change: p.Ala292Pro; replaces alanine 292 with proline.
Molecular consequence: missense variant.
Genome position (GRCh38, 1-based): chr4:54,267,403, G>C. VCF-style: chr4-54267403-G-C. GRCh37 (hg19) VCF-style: chr4-55133570-G-C.
Other names: c.874G>C, p.Ala292Pro (NM_001347827.2, NM_001347829.2); c.949G>C, p.Ala317Pro (NM_001347828.2); c.913G>C, p.Ala305Pro (NM_001347830.2); short protein forms A292P, A317P, A305P.
Identifiers: ClinVar variation 3646399 (VCV003646399.2).

ClinVar aggregate classification (germline): Uncertain significance (1 of 4 stars; one submission).

Conditions:
Gastrointestinal stromal tumor. Also called: Gastrointestinal stromal tumor, somatic; Gastrointestinal stroma tumor. Identifiers: Orphanet 44890, MedGen C0238198, MeSH D046152, MONDO:0011719, OMIM 606764, HP:0100723.

Submission:

Labcorp Genetics (formerly Invitae), Labcorp
Classification: Uncertain significance for Gastrointestinal stromal tumor. Last evaluated: 2024-10-16. Review status: criteria provided, single submitter. Criteria: Invitae Variant Classification Sherloc (09022015). Collection method: clinical testing. Allele origin: germline.
Comment: This sequence change replaces alanine, which is neutral and non-polar, with proline, which is neutral and non-polar, at codon 292 of the PDGFRA protein (p.Ala292Pro). This variant is not present in population databases (gnomAD no frequency). This variant has not been reported in the literature in individuals affected with PDGFRA-related conditions. Invitae Evidence Modeling of protein sequence and biophysical properties (such as structural, functional, and spatial information, amino acid conservation, physicochemical variation, residue mobility, and thermodynamic stability) indicates that this missense variant is not expected to disrupt PDGFRA protein function with a negative predictive value of 80%. In summary, the available evidence is currently insufficient to determine the role of this variant in disease. Therefore, it has been classified as a Variant of Uncertain Significance.